The following is an entry in ClinVar:

ClinVar aggregate classification (germline): Conflicting classifications of pathogenicity. Review status: criteria provided, conflicting classifications (1 of 4 stars). 6 submissions from 6 submitters: Uncertain significance (5); Likely benign (1). Last evaluated 2026-01-19.

Conditions:
Hereditary cancer-predisposing syndrome. Also called: Neoplastic Syndromes, Hereditary; Tumor predisposition; Hereditary Cancer Syndrome; Hereditary neoplastic syndrome. Identifiers: Orphanet 140162, MedGen C0027672, MeSH D009386, MONDO:0015356.
Familial cancer of breast. Also called: BREAST CANCER, FAMILIAL; hereditary breast carcinoma; Hereditary breast cancer. Identifiers: Orphanet 227535, MedGen C0346153, MONDO:0016419, OMIM 114480. Disease mechanism: loss of function.

Allele frequency attached by ClinVar (database versions not stated): ExAC 0.00001; TOPMed 0.00001; ESP Exome Variant Server 0.00008.

Submissions (6):

Labcorp Genetics (formerly Invitae), Labcorp
Classification: Uncertain significance for Familial cancer of breast. Last evaluated: 2026-01-19. Review status: criteria provided, single submitter. Criteria: Invitae Variant Classification Sherloc (09022015). Collection method: clinical testing. Allele origin: germline.
Comment: This sequence change replaces valine, which is neutral and non-polar, with isoleucine, which is neutral and non-polar, at codon 303 of the BARD1 protein (p.Val303Ile). This variant is present in population databases (rs375048835, gnomAD 0.0009%). This variant has not been reported in the literature in individuals affected with BARD1-related conditions. ClinVar contains an entry for this variant (Variation ID: 233827). An algorithm developed to predict the effect of missense changes on protein structure and function (PolyPhen-2) suggests that this variant is likely to be tolerated. In summary, the available evidence is currently insufficient to determine the role of this variant in disease. Therefore, it has been classified as a Variant of Uncertain Significance.

Ambry Genetics
Classification: Likely benign for Hereditary cancer-predisposing syndrome. Last evaluated: 2024-02-26. Review status: criteria provided, single submitter. Criteria: Ambry Variant Classification Scheme 2023. Collection method: clinical testing. Allele origin: germline.

Fulgent Genetics
Classification: Uncertain significance for Familial cancer of breast. Last evaluated: 2024-01-24. Review status: criteria provided, single submitter. Criteria: ACMG Guidelines, 2015. Collection method: clinical testing. Allele origin: germline.

Color Diagnostics, LLC DBA Color Health
Classification: Uncertain significance for Hereditary cancer-predisposing syndrome. Last evaluated: 2023-10-31. Review status: criteria provided, single submitter. Criteria: ACMG Guidelines, 2015. Collection method: clinical testing. Allele origin: germline.
Comment: This missense variant replaces valine with isoleucine at codon 303 of the BARD1 protein. Computational prediction suggests that this variant may not impact protein structure and function (internally defined REVEL score threshold <= 0.5, PMID: 27666373). To our knowledge, functional studies have not been reported for this variant. This variant has not been reported in individuals affected with BARD1-related disorders in the literature. This variant has been identified in 1/245334 chromosomes in the general population by the Genome Aggregation Database (gnomAD). The available evidence is insufficient to determine the role of this variant in disease conclusively. Therefore, this variant is classified as a Variant of Uncertain Significance.

Baylor Genetics
Classification: Uncertain significance for Familial cancer of breast. Last evaluated: 2021-11-15. Review status: criteria provided, single submitter. Criteria: ACMG Guidelines, 2015. Collection method: clinical testing. Allele origin: unknown.

Women's Health and Genetics/Laboratory Corporation of America, LabCorp
Classification: Uncertain significance. Last evaluated: 2020-11-27. Review status: criteria provided, single submitter. Criteria: LabCorp Variant Classification Summary - May 2015. Collection method: clinical testing. Allele origin: germline.
Comment: Variant summary: BARD1 c.907G>A (p.Val303Ile) results in a conservative amino acid change in the encoded protein sequence. Five of five in-silico tools predict a benign effect of the variant on protein function. The variant was absent in 250500 control chromosomes (gnomAD). The available data on variant occurrences in the general population are insufficient to allow any conclusion about variant significance. To our knowledge, no occurrence of c.907G>A in individuals affected with Breast Cancer and no experimental evidence demonstrating its impact on protein function have been reported. Three ClinVar submitters (evaluation after 2014) cite the variant as uncertain significance. Based on the evidence outlined above, the variant was classified as uncertain significance.

NM_000465.4(BARD1):c.907G>A (p.Val303Ile)

Gene: BARD1 (BRCA1 associated RING domain 1; minus strand). Cytogenetic location: 2q35.
Variant type: single nucleotide variant.
Coding change: c.907G>A on transcript NM_000465.4 (MANE Select); coding-DNA position 907, G replaced by A.
Protein change: p.Val303Ile; replaces valine 303 with isoleucine.
Molecular consequence: missense variant. On other transcripts: non-coding transcript variant (2), intron variant (3).
Genome position (GRCh38, 1-based): chr2:214,780,967, C>T on the plus strand (G>A on the coding strand, the complement: BARD1 is on the minus strand). VCF-style: chr2-214780967-C-T. GRCh37 (hg19) VCF-style: chr2-215645691-C-T.
Other names: c.850G>A, p.Val284Ile (NM_001282543.2); c.159-28412G>A (NM_001282548.2); c.215+16094G>A (NM_001282545.2); c.364+11330G>A (NM_001282549.2); short protein forms V303I, V284I.
Identifiers: ClinVar variation 233827 (VCV000233827.22), dbSNP rs375048835, ClinGen allele CA2090367.